The following is an entry in ClinVar:

NM_001134831.2(AHI1):c.901C>G (p.Pro301Ala)

Gene: AHI1 (Abelson helper integration site 1; minus strand). Cytogenetic location: 6q23.3.
Variant type: single nucleotide variant.
Coding change: c.901C>G on transcript NM_001134831.2 (MANE Select); coding-DNA position 901, C replaced by G.
Protein change: p.Pro301Ala; replaces proline 301 with alanine.
Molecular consequence: missense variant.
Genome position (GRCh38, 1-based): chr6:135,463,155, G>C on the plus strand (C>G on the coding strand, the complement: AHI1 is on the minus strand). VCF-style: chr6-135463155-G-C. GRCh37 (hg19) VCF-style: chr6-135784293-G-C.
Other names: c.901C>G, p.Pro301Ala (NM_001350503.2, NM_001350504.2, NM_017651.5 and 2 more transcripts); c.901C>G (NM_017651.4); short protein forms P301A.
Identifiers: ClinVar variation 2912259 (VCV002912259.4), dbSNP rs1161695026, ClinGen allele CA365749010.

ClinVar aggregate classification (germline): Uncertain significance. Review status: criteria provided, multiple submitters, no conflicts (2 of 4 stars). 2 submissions from 2 submitters: Uncertain significance (2). Last evaluated 2024-05-12.

Conditions:
Joubert syndrome. Also called: CEREBELLOPARENCHYMAL DISORDER IV; JOUBERT-BOLTSHAUSER SYNDROME; Familial aplasia of the vermis. Identifiers: Orphanet 475, MedGen C5979921, MONDO:0018772.
Joubert syndrome 3 (JBTS3). Also called: AHI1-related Ciliopathy. Identifiers: Orphanet 220493, MedGen C1837713, MONDO:0012078, OMIM 608629.

Submissions (2):

Fulgent Genetics
Classification: Uncertain significance for Joubert syndrome 3. Last evaluated: 2024-05-12. Review status: criteria provided, single submitter. Criteria: ACMG Guidelines, 2015. Collection method: clinical testing. Allele origin: germline.

Labcorp Genetics (formerly Invitae), Labcorp
Classification: Uncertain significance for Joubert syndrome. Last evaluated: 2023-07-20. Review status: criteria provided, single submitter. Criteria: Invitae Variant Classification Sherloc (09022015). Collection method: clinical testing. Allele origin: germline.
Comment: This sequence change replaces proline, which is neutral and non-polar, with alanine, which is neutral and non-polar, at codon 301 of the AHI1 protein (p.Pro301Ala). This variant is not present in population databases (gnomAD no frequency). This variant has not been reported in the literature in individuals affected with AHI1-related conditions. Advanced modeling of protein sequence and biophysical properties (such as structural, functional, and spatial information, amino acid conservation, physicochemical variation, residue mobility, and thermodynamic stability) performed at Invitae indicates that this missense variant is not expected to disrupt AHI1 protein function. In summary, the available evidence is currently insufficient to determine the role of this variant in disease. Therefore, it has been classified as a Variant of Uncertain Significance.